The following is an entry in ClinVar:

ClinVar aggregate classification (germline): Uncertain significance (1 of 4 stars; one submission).

Conditions:
Hereditary cancer-predisposing syndrome. Also called: Hereditary neoplastic syndrome; Tumor predisposition; Hereditary Cancer Syndrome; Neoplastic Syndromes, Hereditary. Identifiers: Orphanet 140162, MedGen C0027672, MeSH D009386, MONDO:0015356.

Submission:

Ambry Genetics
Classification: Uncertain significance for Hereditary cancer-predisposing syndrome. Last evaluated: 2023-07-08. Review status: criteria provided, single submitter. Criteria: Ambry Variant Classification Scheme 2023. Collection method: clinical testing. Allele origin: germline.
Comment: The p.N50K variant (also known as c.150T>A), located in coding exon 2 of the MRE11A gene, results from a T to A substitution at nucleotide position 150. The asparagine at codon 50 is replaced by lysine, an amino acid with similar properties. This amino acid position is conserved. In addition, this alteration is predicted to be tolerated by in silico analysis. Since supporting evidence is limited at this time, the clinical significance of this alteration remains unclear.

NM_005591.4(MRE11):c.150T>A (p.Asn50Lys)

Gene: MRE11 (MRE11 double strand break repair nuclease; minus strand). Cytogenetic location: 11q21.
Variant type: single nucleotide variant.
Coding change: c.150T>A on transcript NM_005591.4 (MANE Select); coding-DNA position 150, T replaced by A.
Protein change: p.Asn50Lys; replaces asparagine 50 with lysine.
Molecular consequence: missense variant.
Genome position (GRCh38, 1-based): chr11:94,490,836, A>T on the plus strand (T>A on the coding strand, the complement: MRE11 is on the minus strand). VCF-style: chr11-94490836-A-T. GRCh37 (hg19) VCF-style: chr11-94224002-A-T.
Other names: c.150T>A, p.Asn50Lys (NM_001330347.2, NM_005590.4); short protein forms N50K.
Identifiers: ClinVar variation 2586203 (VCV002586203.2), dbSNP rs1591726493, ClinGen allele CA382380570.